The following is an entry in ClinVar:

NM_000057.4(BLM):c.1194C>T (p.Asn398=)

Gene: BLM (BLM RecQ like helicase; plus strand). Cytogenetic location: 15q26.1.
Variant type: single nucleotide variant.
Coding change: c.1194C>T on transcript NM_000057.4 (MANE Select); coding-DNA position 1194, C replaced by T.
Protein change: p.Asn398=; no amino-acid change (asparagine 398 retained).
Molecular consequence: synonymous variant.
Genome position (GRCh38, 1-based): chr15:90,760,253, C>T. VCF-style: chr15-90760253-C-T. GRCh37 (hg19) VCF-style: chr15-91303483-C-T.
Other names: c.1194C>T (LRG_20t1); c.1194C>T, p.Asn398= (NM_001287246.2, NM_001287247.2); c.69C>T, p.Asn23= (NM_001287248.2).
Identifiers: ClinVar variation 236800 (VCV000236800.44), dbSNP rs202103556, ClinGen allele CA7738480.
Genomic context (GRCh38, chr15:90,760,253, plus strand): 5'-CATCTGTAAATTAATTGATACTATTCCTGATGATAAACTGAAACTTTTGGATTGTGGGAA[C>T]GAACTGCTTCAGCAGCGGAACATAAGGTATCTTAATTTTCCCCCTTCTGGAATATATCTG-3'
Protein context (NP_000048.1, residues 388-408): DDKLKLLDCG[Asn398=]ELLQQRNIRR

ClinVar aggregate classification (germline): Likely benign. Review status: criteria provided, multiple submitters, no conflicts (2 of 4 stars). 7 submissions from 7 submitters: Likely benign (5). 2 of the submissions do not count toward it. Last evaluated 2026-02-02.

Conditions:
BLM-related disorder. Also called: BLM-related condition.
Hereditary cancer-predisposing syndrome. Also called: Tumor predisposition; Hereditary Cancer Syndrome; Neoplastic Syndromes, Hereditary; Hereditary neoplastic syndrome. Identifiers: Orphanet 140162, MedGen C0027672, MeSH D009386, MONDO:0015356.
Bloom syndrome (BLM). Also called: Bloom-Torre-Machacek syndrome. Identifiers: Orphanet 125, MedGen C0005859, MONDO:0008876, OMIM 210900.

Allele frequency attached by ClinVar (database versions not stated): TOPMed 0.00003; ExAC 0.00004; gnomAD 0.00004 and 0.00005; gnomAD exomes 0.00005 and 0.00006; ESP Exome Variant Server 0.00008.
gnomAD v4.1: 80 of 1,613,932 alleles (0.005%); highest among the groups gnomAD compares: East Asian, 0.016%; no homozygotes.

Submissions (7):

Labcorp Genetics (formerly Invitae), Labcorp
Classification: Likely benign for Bloom syndrome. Last evaluated: 2026-02-02. Review status: criteria provided, single submitter. Criteria: Invitae Variant Classification Sherloc (09022015). Collection method: clinical testing. Allele origin: germline.

Women's Health and Genetics/Laboratory Corporation of America, LabCorp
Classification: Likely benign. Last evaluated: 2026-01-03. Review status: criteria provided, single submitter. Criteria: LabCorp Variant Classification Summary - May 2015. Collection method: clinical testing. Allele origin: germline.

Quest Diagnostics Nichols Institute San Juan Capistrano
Classification: Likely benign. Last evaluated: 2025-02-11. Review status: criteria provided, single submitter. Criteria: Quest Diagnostics criteria. Collection method: clinical testing. Allele origin: unknown.

CeGaT Center for Human Genetics Tuebingen
Classification: Likely benign. Last evaluated: 2024-03-01. Review status: criteria provided, single submitter. Criteria: CeGaT Center For Human Genetics Tuebingen Variant Classification Criteria Version 2. Collection method: clinical testing. Allele origin: germline. Affected: yes. Observed: 1 variant allele.
Comment: BLM: BP4, BP7

Ambry Genetics
Classification: Likely benign for Hereditary cancer-predisposing syndrome. Last evaluated: 2016-12-06. Review status: criteria provided, single submitter. Criteria: Ambry Variant Classification Scheme 2023. Collection method: clinical testing. Allele origin: germline.

PreventionGenetics, part of Exact Sciences
Classification: Likely benign for BLM-related condition. Last evaluated: 2021-12-30. Review status: no assertion criteria provided. Collection method: clinical testing. Allele origin: germline. Not counted in ClinVar's aggregate classification.
Comment: This variant is classified as likely benign based on ACMG/AMP sequence variant interpretation guidelines (Richards et al. 2015 PMID: 25741868, with internal and published modifications).

Natera, Inc.
Classification: Likely benign for Bloom syndrome. Last evaluated: 2018-09-27. Review status: no assertion criteria provided. Collection method: clinical testing. Allele origin: germline. Not counted in ClinVar's aggregate classification.